The following is an entry in ClinVar:

ClinVar aggregate classification (germline): Uncertain significance (1 of 4 stars; one submission).

Submission:

Labcorp Genetics (formerly Invitae), Labcorp
Classification: Uncertain significance. Last evaluated: 2024-02-05. Review status: criteria provided, single submitter. Criteria: Invitae Variant Classification Sherloc (09022015). Collection method: clinical testing. Allele origin: germline.
Comment: This sequence change replaces asparagine, which is neutral and polar, with serine, which is neutral and polar, at codon 2066 of the ARID1A protein (p.Asn2066Ser). This variant is not present in population databases (gnomAD no frequency). This variant has not been reported in the literature in individuals affected with ARID1A-related conditions. ClinVar contains an entry for this variant (Variation ID: 1952877). Advanced modeling of protein sequence and biophysical properties (such as structural, functional, and spatial information, amino acid conservation, physicochemical variation, residue mobility, and thermodynamic stability) performed at Invitae indicates that this missense variant is expected to disrupt ARID1A protein function with a positive predictive value of 80%. In summary, the available evidence is currently insufficient to determine the role of this variant in disease. Therefore, it has been classified as a Variant of Uncertain Significance.

NM_006015.6(ARID1A):c.6197A>G (p.Asn2066Ser)

Gene: ARID1A (AT-rich interaction domain 1A; plus strand). Cytogenetic location: 1p36.11.
Variant type: single nucleotide variant.
Coding change: c.6197A>G on transcript NM_006015.6 (MANE Select); coding-DNA position 6197, A replaced by G.
Protein change: p.Asn2066Ser; replaces asparagine 2066 with serine.
Molecular consequence: missense variant.
Genome position (GRCh38, 1-based): chr1:26,780,095, A>G. VCF-style: chr1-26780095-A-G. GRCh37 (hg19) VCF-style: chr1-27106586-A-G.
Other names: c.5546A>G, p.Asn1849Ser (NM_139135.4); short protein forms N2066S, N1849S.
Identifiers: ClinVar variation 1952877 (VCV001952877.5), dbSNP rs2124146710, ClinGen allele CA339190692.
Genomic context (GRCh38, chr1:26,780,095, plus strand): 5'-TGGAGTGGTGGTGGGACTGCTTGGAGATGCTCCGGGAAAACACCTTGGTTACACTCGCCA[A>G]CATCTCGGGGCAGTTGGACCTATCTCCATACCCCGAGAGCATTTGCCTGCCTGTCCTGGA-3'
Protein context (NP_006006.3, residues 2056-2076): LRENTLVTLA[Asn2066Ser]ISGQLDLSPY